The following is an entry in ClinVar:

ClinVar aggregate classification (germline): Uncertain significance (1 of 4 stars; one submission).

Conditions:
Combined immunodeficiency due to LRBA deficiency. Also called: Common variable immunodeficiency 8, with autoimmunity. Identifiers: Orphanet 445018, MedGen C3553512, MONDO:0013863, OMIM 614700.

Submission:

Labcorp Genetics (formerly Invitae), Labcorp
Classification: Uncertain significance for Combined immunodeficiency due to LRBA deficiency. Last evaluated: 2024-02-14. Review status: criteria provided, single submitter. Criteria: Invitae Variant Classification Sherloc (09022015). Collection method: clinical testing. Allele origin: germline.
Comment: This variant, c.4117_4128del, results in the deletion of 4 amino acid(s) of the LRBA protein (p.Gly1373_Leu1376del), but otherwise preserves the integrity of the reading frame. This variant is not present in population databases (gnomAD no frequency). This variant has not been reported in the literature in individuals affected with LRBA-related conditions. Experimental studies and prediction algorithms are not available or were not evaluated, and the functional significance of this variant is currently unknown. In summary, the available evidence is currently insufficient to determine the role of this variant in disease. Therefore, it has been classified as a Variant of Uncertain Significance.

NM_001364905.1(LRBA):c.4117_4128del (p.Gly1373_Leu1376del)

Gene: LRBA (LPS responsive beige-like anchor protein; minus strand). Cytogenetic location: 4q31.3.
Variant type: Deletion.
Coding change: c.4117_4128del on transcript NM_001364905.1 (MANE Select); coding-DNA positions 4117 to 4128, 12 bases deleted (GGGGGTATACTG).
Protein change: p.Gly1373_Leu1376del.
Molecular consequence: inframe deletion. On other transcripts: inframe indel (2).
Genome position (GRCh38, 1-based): chr4:150,849,452-150,849,463, CAGTATACCCCC deleted on the plus strand (GGGGGTATACTG on the coding strand, the reverse complement: LRBA is on the minus strand). VCF-style (leftmost placement, unchanged base first): chr4-150849451-GCAGTATACCCCC-G. GRCh37 (hg19) VCF-style: chr4-151770603-GCAGTATACCCCC-G.
Other names: c.4117_4128delGGGGGTATACTG, p.Gly1373_Leu1376del (NM_001199282.3, NM_006726.5); c.4117_4128del, p.Gly1373_Leu1376del (NM_001367550.1).
Identifiers: ClinVar variation 3640870 (VCV003640870.2).